The following continues an entry in ClinVar:

NM_000059.4(BRCA2):c.6656C>G (p.Ser2219Ter)

Gene: BRCA2. ClinVar aggregate classification (germline): Pathogenic. Pathogenic (1).

Submissions 10 to 19 of 19:

Dasa
Classification: Pathogenic for BRCA2-related disorder. Last evaluated: 2022-01-05. Review status: criteria provided, single submitter. Criteria: ACMG Guidelines, 2015. Collection method: clinical testing. Allele origin: germline. Affected: yes. Observed: 1 variant allele. Not counted in ClinVar's aggregate classification.
Comment: The c.6656C>G;p.(Ser2219*) variant creates a premature translational stop signal in the BRCA2 gene. It is expected to result in an absent or disrupted protein product -PVS1. This sequence change has been observed in affected individual(s) and ClinVar contains an entry for this variant (ClinVar ID: 52149; PMID: 16168123; 12655567; 29907814; 31209999; 30606148; 19967274; 16389418; 29348823; 29446198; 27425403; 26026974; 24312913; 17063270; 9150174; 28918466; 27553368) - PS4. This variant is not present in population databases (rs80358893, gnomAD; ABraOM no frequency) - PM2. In summary, the currently available evidence indicates that the variant is pathogenic.

MGZ Medical Genetics Center
Classification: Pathogenic for Breast-ovarian cancer, familial, susceptibility to, 2. Last evaluated: 2021-12-13. Review status: criteria provided, single submitter. Criteria: ACMG Guidelines, 2015. Collection method: clinical testing. Allele origin: germline. Affected: yes. Observed: 1 variant allele. Not counted in ClinVar's aggregate classification.
Comment: ACMG criteria applied: PVS1, PS4, PM2_SUP, PP4

Color Diagnostics, LLC DBA Color Health
Classification: Pathogenic for Hereditary cancer-predisposing syndrome. Last evaluated: 2020-01-15. Review status: criteria provided, single submitter. Criteria: ACMG Guidelines, 2015. Collection method: clinical testing. Allele origin: germline. Not counted in ClinVar's aggregate classification.
Comment: This variant changes 1 nucleotide in exon 11 of the BRCA2 gene, creating a premature translation stop signal. This variant is expected to result in an absent or non-functional protein product. This variant has not been identified in the general population by the Genome Aggregation Database (gnomAD). Loss of BRCA2 function is a known mechanism of disease. Based on the available evidence, this variant is classified as Pathogenic.

Women's Health and Genetics/Laboratory Corporation of America, LabCorp
Classification: Pathogenic for Hereditary breast and ovarian cancer syndrome. Last evaluated: 2019-02-21. Review status: criteria provided, single submitter. Criteria: LabCorp Variant Classification Summary - May 2015. Collection method: clinical testing. Allele origin: germline. Not counted in ClinVar's aggregate classification.
Comment: Variant summary: BRCA2 c.6656C>G (p.Ser2219X) results in a premature termination codon, predicted to cause a truncation of the encoded protein or absence of the protein due to nonsense mediated decay, which are commonly known mechanisms for disease. Truncations downstream of this position have been classified as pathogenic by our laboratory (eg. c.6757_6758delCT/p.Leu2253fsX7, c.6761_6762delTT/p.Phe2254fsX6). The variant was absent in 245654 control chromosomes. c.6656C>G has been reported in the literature in multiple individuals affected with Hereditary Breast and Ovarian Cancer (Dufloth_2005, Caux-Moncoutier_2011, Borg_2010, Alemar_2016, Pinto_2016). These data indicate that the variant is very likely to be associated with disease. To our knowledge, no experimental evidence demonstrating an impact on protein function has been reported. Six clinical diagnostic laboratories have submitted clinical-significance assessments for this variant to ClinVar after 2014 without evidence for independent evaluation. All laboratories classified the variant as pathogenic. Based on the evidence outlined above, the variant was classified as pathogenic.

Fulgent Genetics
Classification: Pathogenic for Familial cancer of breast; Medulloblastoma; Familial prostate cancer; Wilms tumor 1; Fanconi anemia complementation group D1; Breast-ovarian cancer, familial, susceptibility to, 2; Glioma susceptibility 3; Pancreatic cancer, susceptibility to, 2. Last evaluated: 2018-10-31. Review status: criteria provided, single submitter. Criteria: ACMG Guidelines, 2015. Collection method: clinical testing. Allele origin: unknown. Not counted in ClinVar's aggregate classification.

Mendelics
Classification: Pathogenic for Hereditary breast and ovarian cancer syndrome. Last evaluated: 2018-07-02. Review status: criteria provided, single submitter. Criteria: Mendelics Assertion Criteria 2017. Collection method: clinical testing. Allele origin: unknown. Not counted in ClinVar's aggregate classification.

Consortium of Investigators of Modifiers of BRCA1/2 (CIMBA), c/o University of Cambridge
Classification: Pathogenic for Breast-ovarian cancer, familial, susceptibility to, 2. Last evaluated: 2015-10-02. Review status: criteria provided, single submitter. Criteria: CIMBA Mutation Classification guidelines May 2016. Collection method: clinical testing. Allele origin: germline. Not counted in ClinVar's aggregate classification.

Counsyl
Classification: Pathogenic for Breast-ovarian cancer, familial, susceptibility to, 2. Last evaluated: 2018-04-24. Review status: no assertion criteria provided. Collection method: clinical testing. Allele origin: unknown. Not counted in ClinVar's aggregate classification.

Breast Cancer Information Core (BIC) (BRCA2)
Classification: Pathogenic for Breast-ovarian cancer, familial 2. Last evaluated: 2002-05-29. Review status: no assertion criteria provided. Collection method: clinical testing. Allele origin: germline, unknown. Affected: yes. Observed: 2 variant alleles. Not counted in ClinVar's aggregate classification.

Department of Pathology and Laboratory Medicine, Sinai Health System
Classification: Pathogenic for Malignant tumor of breast. Review status: no assertion criteria provided. Collection method: clinical testing. Allele origin: unknown. Affected: yes. Observed: 2 variant alleles. Study: The Canadian Open Genetics Repository (COGR). Not counted in ClinVar's aggregate classification.
Comment: The BRCA2 p.Ser2219* variant was identified in 7 of 3898 proband chromosomes (frequency: 0.002) from individuals or families with breast or ovarian cancer (Alemar 2016, Borg 2010, Dufloth 2005, Palmero 2018, Pinto 2016). The variant was also identified in dbSNP (ID: rs80358893) as "With Pathogenic allele", ClinVar (classified as pathogenic by Ambry Genetics, Color, Counsyl, and five other submitters), LOVD 3.0 (1x as pathogenic), and UMD-LSDB (8x as causal). The variant was not identified in the following control databases: the Exome Aggregation Consortium (August 8th 2016) or the Genome Aggregation Database (Feb 27, 2017). The p.Ser2219* variant leads to a premature stop codon at position 2219, which is predicted to lead to a truncated or absent protein and loss of function. Loss of function variants of the BRCA2 gene are an established mechanism of disease in hereditary breast and ovarian cancer and is the type of variant expected to cause the disorder. In summary, based on the above information, this variant meets our laboratoryâ€šÃ„Ã´s criteria to be classified as pathogenic.

Literature cited by the submitters: PubMed 16168123 (cited by Dasa and Quest Diagnostics Nichols Institute San Juan Capistrano); PubMed 12655567 (cited by 3 submitters); PubMed 29907814 (cited by Dasa and Quest Diagnostics Nichols Institute San Juan Capistrano); PubMed 31209999 (cited by Dasa); PubMed 30606148 (cited by Dasa and All of Us Research Program, National Institutes of Health); PubMed 19967274 (cited by Dasa); PubMed 16389418 (cited by 4 submitters); PubMed 29348823 (cited by 3 submitters); PubMed 29446198 (cited by 3 submitters); PubMed 27425403 (cited by 5 submitters); PubMed 26026974 (cited by Dasa and Quest Diagnostics Nichols Institute San Juan Capistrano); PubMed 24312913 (cited by Dasa and Quest Diagnostics Nichols Institute San Juan Capistrano); PubMed 17063270 (cited by Dasa and Quest Diagnostics Nichols Institute San Juan Capistrano); PubMed 9150174 (cited by Dasa and Quest Diagnostics Nichols Institute San Juan Capistrano); PubMed 28918466 (cited by Dasa and Quest Diagnostics Nichols Institute San Juan Capistrano); PubMed 27553368 (cited by 3 submitters); PubMed 20104584 (cited by 3 submitters); PubMed 21120943 (cited by Quest Diagnostics Nichols Institute San Juan Capistrano and Women's Health and Genetics/Laboratory Corporation of America, LabCorp); PubMed 16758124 (cited by Quest Diagnostics Nichols Institute San Juan Capistrano); PubMed 36119527 (cited by Quest Diagnostics Nichols Institute San Juan Capistrano and All of Us Research Program, National Institutes of Health); PubMed 8988179 (cited by All of Us Research Program, National Institutes of Health); PubMed 11897832 (cited by All of Us Research Program, National Institutes of Health); PubMed 21520273 (cited by Women's Health and Genetics/Laboratory Corporation of America, LabCorp).